The following is an entry in ClinVar:

NM_004655.4(AXIN2):c.2018_2025dup (p.Ala676fs)

Gene: AXIN2 (axin 2; minus strand). Cytogenetic location: 17q24.1.
Variant type: Duplication.
Coding change: c.2018_2025dup on transcript NM_004655.4 (MANE Select); coding-DNA positions 2018 to 2025, 8 bases duplicated (CCCCCCGT; older notation c.2018_2025dupCCCCCCGT).
Protein change: p.Ala676fs; shifts the reading frame from alanine 676.
Molecular consequence: frameshift variant.
Genome position (GRCh38, 1-based): chr17:65,536,436-65,536,443, ACGGGGGG duplicated on the plus strand (CCCCCCGT on the coding strand, the reverse complement: AXIN2 is on the minus strand). VCF-style (leftmost placement, unchanged base first): chr17-65536435-C-CACGGGGGG. GRCh37 (hg19) VCF-style: chr17-63532553-C-CACGGGGGG.
Other names: c.2018_2025dupCCCCCCGT (NM_004655.3); c.1823_1830dup, p.Ala611fs (NM_001363813.1); short protein forms A676fs, A611fs.
Identifiers: ClinVar variation 2451650 (VCV002451650.2), dbSNP rs2509402115, ClinGen allele CA2580094659.

ClinVar aggregate classification (germline): Pathogenic (1 of 4 stars; one submission).

Conditions:
Hereditary cancer-predisposing syndrome. Also called: Neoplastic Syndromes, Hereditary; Tumor predisposition; Hereditary neoplastic syndrome; Hereditary Cancer Syndrome. Identifiers: Orphanet 140162, MedGen C0027672, MeSH D009386, MONDO:0015356.

Submission:

Ambry Genetics
Classification: Pathogenic for Hereditary cancer-predisposing syndrome. Last evaluated: 2022-12-27. Review status: criteria provided, single submitter. Criteria: Ambry Variant Classification Scheme 2023. Collection method: clinical testing. Allele origin: germline.
Comment: The c.2018_2025dupCCCCCCGT pathogenic mutation, located in coding exon 7 of the AXIN2 gene, results from a duplication of CCCCCCGT at nucleotide position 2018, causing a translational frameshift with a predicted alternate stop codon (p.A676Pfs*16). This variant is considered to be rare based on population cohorts in the Genome Aggregation Database (gnomAD). This alteration is expected to result in loss of function by premature protein truncation or nonsense-mediated mRNA decay. As such, this alteration is interpreted as a disease-causing mutation.